The following is an entry in ClinVar:

ClinVar aggregate classification (germline): Uncertain significance (1 of 4 stars; one submission).

Allele frequency attached by ClinVar (database versions not stated): gnomAD exomes below 0.00001; ExAC 0.00001; gnomAD 0.00001; TOPMed 0.00001.
gnomAD v4.1: 2 of 1,613,528 alleles (0.00012%); highest among the groups gnomAD compares: African/African-American, 0.0013%; no homozygotes.

Submission:

Labcorp Genetics (formerly Invitae), Labcorp
Classification: Uncertain significance. Last evaluated: 2023-11-20. Review status: criteria provided, single submitter. Criteria: Invitae Variant Classification Sherloc (09022015). Collection method: clinical testing. Allele origin: germline.
Comment: This sequence change replaces isoleucine, which is neutral and non-polar, with threonine, which is neutral and polar, at codon 1031 of the ALPK1 protein (p.Ile1031Thr). This variant is present in population databases (rs770343009, gnomAD no frequency). This variant has not been reported in the literature in individuals affected with ALPK1-related conditions. ClinVar contains an entry for this variant (Variation ID: 1721872). Advanced modeling of protein sequence and biophysical properties (such as structural, functional, and spatial information, amino acid conservation, physicochemical variation, residue mobility, and thermodynamic stability) performed at Invitae indicates that this missense variant is not expected to disrupt ALPK1 protein function with a negative predictive value of 80%. In summary, the available evidence is currently insufficient to determine the role of this variant in disease. Therefore, it has been classified as a Variant of Uncertain Significance.

NM_025144.4(ALPK1):c.3092T>C (p.Ile1031Thr)

Gene: ALPK1 (alpha kinase 1; plus strand). Cytogenetic location: 4q25.
Variant type: single nucleotide variant.
Coding change: c.3092T>C on transcript NM_025144.4 (MANE Select); coding-DNA position 3092, T replaced by C.
Protein change: p.Ile1031Thr; replaces isoleucine 1031 with threonine.
Molecular consequence: missense variant.
Genome position (GRCh38, 1-based): chr4:112,435,205, T>C. VCF-style: chr4-112435205-T-C. GRCh37 (hg19) VCF-style: chr4-113356361-T-C.
Other names: c.3092T>C, p.Ile1031Thr (NM_001102406.2); c.2858T>C, p.Ile953Thr (NM_001253884.2); short protein forms I1031T, I953T.
Identifiers: ClinVar variation 1721872 (VCV001721872.5), dbSNP rs770343009, ClinGen allele CA3047085.